The following is an entry in ClinVar:

ClinVar aggregate classification (germline): Likely benign (1 of 4 stars; one submission).

Allele frequency attached by ClinVar (database versions not stated): gnomAD exomes 0.00004; ExAC 0.00015; 1000 Genomes Project 0.00020; ESP Exome Variant Server 0.00023; 1000 Genomes Project 30x 0.00031; gnomAD 0.00033; TOPMed 0.00062.
gnomAD v4.1: 117 of 1,588,266 alleles (0.0074%); highest among the groups gnomAD compares: African/African-American, 0.074%; no homozygotes.

Submission:

CeGaT Center for Human Genetics Tuebingen
Classification: Likely benign. Last evaluated: 2023-03-01. Review status: criteria provided, single submitter. Criteria: CeGaT Center For Human Genetics Tuebingen Variant Classification Criteria Version 2. Collection method: clinical testing. Allele origin: germline. Affected: yes. Observed: 1 variant allele.
Comment: PEX11G: BP4, BP7

NM_080662.4(PEX11G):c.297T>C (p.Ala99=)

Gene: PEX11G (peroxisomal biogenesis factor 11 gamma; minus strand). Cytogenetic location: 19p13.2.
Variant type: single nucleotide variant.
Coding change: c.297T>C on transcript NM_080662.4 (MANE Select); coding-DNA position 297, T replaced by C.
Protein change: p.Ala99=; no amino-acid change (alanine 99 retained).
Molecular consequence: synonymous variant.
Genome position (GRCh38, 1-based): chr19:7,482,164, A>G on the plus strand (T>C on the coding strand, the complement: PEX11G is on the minus strand). VCF-style: chr19-7482164-A-G. GRCh37 (hg19) VCF-style: chr19-7547050-A-G.
Other names: c.297T>C, p.Ala99= (NM_001270539.2); c.87T>C, p.Ala29= (NM_001300881.2).
Identifiers: ClinVar variation 2649159 (VCV002649159.24), dbSNP rs376817072, ClinGen allele CA9137557.
Genomic context (GRCh38, chr19:7,482,164, plus strand): 5'-GTGGAGGACCCGGGCATCAGCCGCCCAGGCCACGTGCTCACAGGGGTAGTAGAGCTGGTC[A>G]GCCAGGTTCCCTAGGACGGAGACACAGCGGACAAAGGCGTCCTCCTCCTGCAGGACCAGG-3'
Protein context (NP_542393.1, residues 89-109): VRCVSVLGNL[Ala99=]DQLYYPCEHV